The following is an entry in ClinVar:

ClinVar aggregate classification (germline): Uncertain significance (1 of 4 stars; one submission).

Conditions:
Early-infantile DEE. Also called: Ohtahara syndrome; Early infantile epileptic encephalopathy; Early infantile epileptic encephalopathy with suppression bursts. Identifiers: Orphanet 1934, MedGen C0393706, MONDO:0800491.

Allele frequency attached by ClinVar (database versions not stated): gnomAD 0.00001.
gnomAD v4.1: 1 of 1,613,976 alleles (0.000062%); highest among the groups gnomAD compares: Admixed American, 0.0017%; no homozygotes.

Submission:

Labcorp Genetics (formerly Invitae), Labcorp
Classification: Uncertain significance for Early-infantile DEE. Last evaluated: 2025-01-11. Review status: criteria provided, single submitter. Criteria: Invitae Variant Classification Sherloc (09022015). Collection method: clinical testing. Allele origin: germline.
Comment: This sequence change replaces proline, which is neutral and non-polar, with leucine, which is neutral and non-polar, at codon 642 of the HCN1 protein (p.Pro642Leu). This variant is not present in population databases (gnomAD no frequency). This variant has not been reported in the literature in individuals affected with HCN1-related conditions. ClinVar contains an entry for this variant (Variation ID: 2762767). Invitae Evidence Modeling of protein sequence and biophysical properties (such as structural, functional, and spatial information, amino acid conservation, physicochemical variation, residue mobility, and thermodynamic stability) indicates that this missense variant is not expected to disrupt HCN1 protein function with a negative predictive value of 95%. In summary, the available evidence is currently insufficient to determine the role of this variant in disease. Therefore, it has been classified as a Variant of Uncertain Significance.

NM_021072.4(HCN1):c.1925C>T (p.Pro642Leu)

Gene: HCN1 (hyperpolarization activated cyclic nucleotide gated potassium channel 1; minus strand). Cytogenetic location: 5p12.
Variant type: single nucleotide variant.
Coding change: c.1925C>T on transcript NM_021072.4 (MANE Select); coding-DNA position 1925, C replaced by T.
Protein change: p.Pro642Leu; replaces proline 642 with leucine.
Molecular consequence: missense variant.
Genome position (GRCh38, 1-based): chr5:45,262,669, G>A on the plus strand (C>T on the coding strand, the complement: HCN1 is on the minus strand). VCF-style: chr5-45262669-G-A. GRCh37 (hg19) VCF-style: chr5-45262771-G-A.
Other names: short protein forms P642L.
Identifiers: ClinVar variation 2762767 (VCV002762767.3), dbSNP rs1561079455, ClinGen allele CA359704405.